The following is an entry in ClinVar:

ClinVar aggregate classification (germline): Uncertain significance (1 of 4 stars; one submission).

Submission:

GeneDx
Classification: Uncertain significance. Last evaluated: 2019-10-01. Review status: criteria provided, single submitter. Criteria: GeneDx Variant Classification Process June 2021. Collection method: clinical testing. Allele origin: germline. Affected: yes.
Comment: Has not been previously published as pathogenic or benign to our knowledge; Not observed in large population cohorts (Lek et al., 2016); In silico analysis, which includes splice predictors and evolutionary conservation, supports a deleterious effect; Variants in candidate genes are classified as variants of uncertain significance in accordance with ACMG guidelines (Richards et al., 2015)

NM_020719.3(PRR12):c.5721G>A (p.Gln1907=)

Gene: PRR12 (proline rich 12; plus strand). Cytogenetic location: 19q13.33.
Variant type: single nucleotide variant.
Coding change: c.5721G>A on transcript NM_020719.3 (MANE Select); coding-DNA position 5721, G replaced by A.
Protein change: p.Gln1907=; no amino-acid change (glutamine 1907 retained).
Molecular consequence: synonymous variant.
Genome position (GRCh38, 1-based): chr19:49,621,622, G>A. VCF-style: chr19-49621622-G-A. GRCh37 (hg19) VCF-style: chr19-50124879-G-A.
Identifiers: ClinVar variation 1312439 (VCV001312439.2), dbSNP rs2122377113, ClinGen allele CA508124181.